The following is an entry in ClinVar:

NM_001080.3(ALDH5A1):c.678G>C (p.Val226=)

Gene: ALDH5A1 (aldehyde dehydrogenase 5 family member A1; plus strand). Cytogenetic location: 6p22.3.
Variant type: single nucleotide variant.
Coding change: c.678G>C on transcript NM_001080.3 (MANE Select); coding-DNA position 678, G replaced by C.
Protein change: p.Val226=; no amino-acid change (valine 226 retained).
Molecular consequence: synonymous variant.
Genome position (GRCh38, 1-based): chr6:24,504,937, G>C. VCF-style: chr6-24504937-G-C. GRCh37 (hg19) VCF-style: chr6-24505165-G-C.
Other names: p.Val226=; c.678G>C, p.Val226= (NM_001368954.1, NM_170740.1).
Identifiers: ClinVar variation 459992 (VCV000459992.18), dbSNP rs113591366, ClinGen allele CA3656689.

ClinVar aggregate classification (germline): Benign/Likely benign. Review status: criteria provided, multiple submitters, no conflicts (2 of 4 stars). 7 submissions from 7 submitters: Benign (3); Likely benign (3). 1 of the submissions does not count toward it. Last evaluated 2026-02-03.

Conditions:
Succinate-semialdehyde dehydrogenase deficiency (SSADHD). Also called: Succinic Semialdehyde Dehydrogenase Deficiency; SSADH DEFICIENCY; GABA METABOLIC DEFECT; 4-HYDROXYBUTYRIC ACIDURIA. Identifiers: Orphanet 22, MedGen C0268631, MONDO:0010083, OMIM 271980.

Allele frequency attached by ClinVar (database versions not stated): 1000 Genomes Project 0.00579; 1000 Genomes Project 30x 0.00609; TOPMed 0.00726; ESP Exome Variant Server 0.00930.
gnomAD v4.1: 2,155 of 1,614,234 alleles (0.13%); highest among the groups gnomAD compares: African/African-American, 2.4%; 18 homozygotes.

Submissions (7):

Labcorp Genetics (formerly Invitae), Labcorp
Classification: Benign for Succinate-semialdehyde dehydrogenase deficiency. Last evaluated: 2026-02-03. Review status: criteria provided, single submitter. Criteria: Invitae Variant Classification Sherloc (09022015). Collection method: clinical testing. Allele origin: germline.

Blueprint Genetics
Classification: Likely benign. Last evaluated: 2024-11-11. Review status: criteria provided, single submitter. Criteria: ACMG Guidelines, 2015. Collection method: clinical testing. Allele origin: germline.

Mayo Clinic Laboratories, Mayo Clinic
Classification: Benign. Last evaluated: 2024-08-21. Review status: criteria provided, single submitter. Criteria: ACMG Guidelines, 2015. Collection method: clinical testing. Allele origin: germline. Observed: 3 variant alleles.
Comment: BS1, BS2, BP4, BP7

GeneDx
Classification: Benign. Last evaluated: 2020-09-04. Review status: criteria provided, single submitter. Criteria: GeneDx Variant Classification Process June 2021. Collection method: clinical testing. Allele origin: germline. Affected: yes.

Clinical Genetics DNA and cytogenetics Diagnostics Lab, Erasmus MC, Erasmus Medical Center
Classification: Likely benign for Succinate-semialdehyde dehydrogenase deficiency. Last evaluated: 2017-11-15. Review status: criteria provided, single submitter. Criteria: ACGS Guidelines, 2013. Collection method: clinical testing. Allele origin: germline. Affected: yes. Study: VKGL Data-share Consensus.

Breakthrough Genomics
Classification: Likely benign. Review status: criteria provided, single submitter. Criteria: ACMG Guidelines, 2015. Collection method: not provided. Allele origin: germline. Inheritance: Autosomal recessive inheritance. Affected: yes.

Diagnostic Laboratory, Department of Genetics, University Medical Center Groningen
Classification: Benign for Succinate-semialdehyde dehydrogenase deficiency. Review status: no assertion criteria provided. Collection method: clinical testing. Allele origin: germline. Affected: yes. Study: VKGL Data-share Consensus. Not counted in ClinVar's aggregate classification.